The following is an entry in ClinVar:

NM_001080477.4(TENM3):c.4508C>T (p.Pro1503Leu)

Gene: TENM3 (teneurin transmembrane protein 3; plus strand). Cytogenetic location: 4q35.1.
Variant type: single nucleotide variant.
Coding change: c.4508C>T on transcript NM_001080477.4 (MANE Select); coding-DNA position 4508, C replaced by T.
Protein change: p.Pro1503Leu; replaces proline 1503 with leucine.
Molecular consequence: missense variant.
Genome position (GRCh38, 1-based): chr4:182,754,875, C>T. VCF-style: chr4-182754875-C-T. GRCh37 (hg19) VCF-style: chr4-183676028-C-T.
Other names: c.3740C>T, p.Pro1247Leu (NM_001415960.1); c.3713C>T, p.Pro1238Leu (NM_001415961.1); c.3710C>T, p.Pro1237Leu (NM_001415962.1); c.3692C>T, p.Pro1231Leu (NM_001415963.1); c.3689C>T, p.Pro1230Leu (NM_001415964.1); c.4226C>T, p.Pro1409Leu (NM_001415966.1); c.4250C>T, p.Pro1417Leu (NM_001415967.1); c.4526C>T, p.Pro1509Leu (NM_001415968.1); and 4 more; short protein forms P1230L, P1231L, P1237L, P1238L, P1247L, P1409L, P1410L, P1417L.
Identifiers: ClinVar variation 2582010 (VCV002582010.1), dbSNP rs2531903884, ClinGen allele CA358830398.

ClinVar aggregate classification (germline): Uncertain significance (1 of 4 stars; one submission).

Allele frequency attached by ClinVar (database versions not stated): gnomAD exomes below 0.00001.
gnomAD v4.1: 1 of 1,614,008 alleles (0.000062%); highest among the groups gnomAD compares: Non-Finnish European, 0.000085%; no homozygotes.

Submission:

GeneDx
Classification: Uncertain significance. Last evaluated: 2023-03-27. Review status: criteria provided, single submitter. Criteria: GeneDx Variant Classification Process June 2021. Collection method: clinical testing. Allele origin: germline. Affected: yes.
Comment: Not observed at significant frequency in large population cohorts (gnomAD); In silico analysis supports that this missense variant has a deleterious effect on protein structure/function; Has not been previously published as pathogenic or benign to our knowledge